The following is an entry in ClinVar:

NM_006767.4(LZTR1):c.1450-1G>A

Gene: LZTR1 (leucine zipper like post translational regulator 1; plus strand). Cytogenetic location: 22q11.21.
Variant type: single nucleotide variant.
Coding change: c.1450-1G>A on transcript NM_006767.4 (MANE Select); the canonical splice acceptor site of the intron before coding-DNA position 1450, G replaced by A.
Molecular consequence: splice acceptor variant.
Genome position (GRCh38, 1-based): chr22:20,994,103, G>A. VCF-style: chr22-20994103-G-A. GRCh37 (hg19) VCF-style: chr22-21348392-G-A.
Identifiers: ClinVar variation 1772928 (VCV001772928.7), dbSNP rs2518620700, ClinGen allele CA410775418.
Genomic context (GRCh38, chr22:20,994,103, plus strand): 5'-CTGACCTGGCAGCCATGCCTGGTGTCCACTGGGGTGTCCTTGAGCTCCCTTCTCCCCACA[G>A]AAGCTGGAGCAGGAGGCCGCCCCAGTTCCCAGGGAGGCCCCCGGCGTGGCTGCTGGTGGG-3'

ClinVar aggregate classification (germline): Conflicting classifications of pathogenicity. Review status: criteria provided, conflicting classifications (1 of 4 stars). 2 submissions from 2 submitters: Likely pathogenic (1); Uncertain significance (1). Last evaluated 2025-02-28.

Conditions:
Cardiovascular phenotype. Identifiers: MedGen CN230736.
Hereditary cancer-predisposing syndrome. Also called: Hereditary Cancer Syndrome; Hereditary neoplastic syndrome; Neoplastic Syndromes, Hereditary; Tumor predisposition. Identifiers: Orphanet 140162, MedGen C0027672, MeSH D009386, MONDO:0015356.

Submissions (2):

Ambry Genetics
Classification: Uncertain significance for Cardiovascular phenotype; Hereditary cancer-predisposing syndrome. Last evaluated: 2025-02-28. Review status: criteria provided, single submitter. Criteria: Ambry Variant Classification Scheme 2023. Collection method: clinical testing. Allele origin: germline.
Comment: The c.1450-1G>A intronic variant results from a G to A substitution one nucleotide upstream from coding exon 14 of the LZTR1 gene. Alterations that disrupt the canonical splice site are expected to cause aberrant splicing. RNA studies have demonstrated that this alteration results in a transcript predicted to lead to a protein with an in-frame deletion of 1 amino acid; however, the exact functional impact of the deleted amino acid is unknown at this time (Ambry internal data). This nucleotide position is highly conserved in available vertebrate species. In silico splice site analysis predicts that this alteration will weaken the native splice acceptor site. Based on the available evidence, the clinical significance of this variant remains unclear.

Labcorp Genetics (formerly Invitae), Labcorp
Classification: Likely pathogenic. Last evaluated: 2024-10-24. Review status: criteria provided, single submitter. Criteria: Invitae Variant Classification Sherloc (09022015). Collection method: clinical testing. Allele origin: germline.
Comment: This sequence change affects an acceptor splice site in intron 13 of the LZTR1 gene. It is expected to disrupt RNA splicing. Variants that disrupt the donor or acceptor splice site typically lead to a loss of protein function (PMID: 16199547), and loss-of-function variants in LZTR1 are known to be pathogenic (PMID: 24362817, 25335493, 25480913, 25795793, 29469822, 30368668, 30442762, 30442766, 30481304, 30859559). This variant is not present in population databases (gnomAD no frequency). This variant has not been reported in the literature in individuals affected with LZTR1-related conditions. ClinVar contains an entry for this variant (Variation ID: 1772928). Algorithms developed to predict the effect of sequence changes on RNA splicing suggest that this variant may disrupt the consensus splice site. In summary, the currently available evidence indicates that the variant is pathogenic, but additional data are needed to prove that conclusively. Therefore, this variant has been classified as Likely Pathogenic.

Literature cited by the submitters: PubMed 16199547 (cited by Labcorp Genetics (formerly Invitae), Labcorp); PubMed 24362817 (cited by Labcorp Genetics (formerly Invitae), Labcorp); PubMed 25335493 (cited by Labcorp Genetics (formerly Invitae), Labcorp); PubMed 25480913 (cited by Labcorp Genetics (formerly Invitae), Labcorp); PubMed 25795793 (cited by Labcorp Genetics (formerly Invitae), Labcorp); PubMed 29469822 (cited by Labcorp Genetics (formerly Invitae), Labcorp); PubMed 30368668 (cited by Labcorp Genetics (formerly Invitae), Labcorp); PubMed 30442762 (cited by Labcorp Genetics (formerly Invitae), Labcorp); PubMed 30442766 (cited by Labcorp Genetics (formerly Invitae), Labcorp); PubMed 30481304 (cited by Labcorp Genetics (formerly Invitae), Labcorp); PubMed 30859559 (cited by Labcorp Genetics (formerly Invitae), Labcorp).